The following is an entry in ClinVar:

NM_001174147.2(LMX1B):c.662G>A (p.Arg221Gln)

Gene: LMX1B (LIM homeobox transcription factor 1 beta; plus strand). Cytogenetic location: 9q33.3.
Variant type: single nucleotide variant.
Coding change: c.662G>A on transcript NM_001174147.2 (MANE Select); coding-DNA position 662, G replaced by A.
Protein change: p.Arg221Gln; replaces arginine 221 with glutamine.
Molecular consequence: missense variant.
Genome position (GRCh38, 1-based): chr9:126,693,244, G>A. VCF-style: chr9-126693244-G-A. GRCh37 (hg19) VCF-style: chr9-129455523-G-A.
Other names: c.662G>A, p.Arg221Gln (NM_001174146.2, NM_002316.4); short protein forms R221Q.
Identifiers: ClinVar variation 3370317 (VCV003370317.1).

ClinVar aggregate classification (germline): Uncertain significance (1 of 4 stars; one submission).

Conditions:
Nail-patella-like renal disease. Also called: Focal Segmental Glomerulosclerosis 10; GLOMERULAR BASEMENT MEMBRANE DISEASE, NAIL-PATELLA SYNDROME TYPE. Identifiers: Orphanet 2613, MedGen C0403548, MONDO:0009724, OMIM 256020.

gnomAD v4.1: 6 of 1,611,410 alleles (0.00037%); highest among the groups gnomAD compares: Non-Finnish European, 0.00034%; no homozygotes.

Submission:

MVZ Medizinische Genetik Mainz
Classification: Uncertain significance for Nail-patella-like renal disease. Last evaluated: 2024-09-24. Review status: criteria provided, single submitter. Criteria: UK Practice Guidelines For Variant Classification V4 01 2020. Collection method: clinical testing. Allele origin: germline. Inheritance: Autosomal dominant inheritance. Affected: yes. Observed: 1 variant allele.
Comment: ACMG Criteria: PP3_STR,PM2_SUP